The following is an entry in ClinVar:

ClinVar aggregate classification (germline): Uncertain significance (1 of 4 stars; one submission).

Allele frequency attached by ClinVar (database versions not stated): gnomAD 0.00004; TOPMed 0.00002; gnomAD exomes 0.00001.
gnomAD v4.1: 25 of 1,614,062 alleles (0.0015%); highest among the groups gnomAD compares: African/African-American, 0.0053%; no homozygotes.

Submission:

Labcorp Genetics (formerly Invitae), Labcorp
Classification: Uncertain significance for Combined immunodeficiency due to DOCK8 deficiency. Last evaluated: 2024-03-01. Review status: criteria provided, single submitter. Criteria: Invitae Variant Classification Sherloc (09022015). Collection method: clinical testing. Allele origin: germline.
Comment: This sequence change replaces leucine, which is neutral and non-polar, with valine, which is neutral and non-polar, at codon 383 of the DOCK8 protein (p.Leu383Val). The frequency data for this variant in the population databases is considered unreliable, as metrics indicate poor data quality at this position in the gnomAD database. This variant has not been reported in the literature in individuals affected with DOCK8-related conditions. ClinVar contains an entry for this variant (Variation ID: 661827). Advanced modeling of protein sequence and biophysical properties (such as structural, functional, and spatial information, amino acid conservation, physicochemical variation, residue mobility, and thermodynamic stability) performed at Invitae indicates that this missense variant is not expected to disrupt DOCK8 protein function with a negative predictive value of 80%. In summary, the available evidence is currently insufficient to determine the role of this variant in disease. Therefore, it has been classified as a Variant of Uncertain Significance.

NM_203447.4(DOCK8):c.1147C>G (p.Leu383Val)

Gene: DOCK8 (dedicator of cytokinesis 8; plus strand). Cytogenetic location: 9p24.3.
Variant type: single nucleotide variant.
Coding change: c.1147C>G on transcript NM_203447.4 (MANE Select); coding-DNA position 1147, C replaced by G.
Protein change: p.Leu383Val; replaces leucine 383 with valine.
Molecular consequence: missense variant.
Genome position (GRCh38, 1-based): chr9:334,246, C>G. VCF-style: chr9-334246-C-G. GRCh37 (hg19) VCF-style: chr9-334246-C-G.
Other names: c.943C>G, p.Leu315Val (NM_001190458.2, NM_001193536.2); short protein forms L383V, L315V.
Identifiers: ClinVar variation 661827 (VCV000661827.8), dbSNP rs1412126749, ClinGen allele CA372752531.
Genomic context (GRCh38, chr9:334,246, plus strand): 5'-GATGCTTGTTTCAGCTTGTTTCTTTCCATTTTCCTCCAGAGTAAAGAAAAGATTGAAAAA[C>G]TAAAACTCCAAGCTGAATCCTTCTGCCAGCGTTTGGGGAAATACCGGATGCCCTTTGCCT-3'
Protein context (NP_982272.2, residues 373-393): GGKSKEKIEK[Leu383Val]KLQAESFCQR